The following is an entry in ClinVar:

NM_021930.6(RINT1):c.482A>G (p.Tyr161Cys)

Gene: RINT1 (RAD50 interactor 1; plus strand). Cytogenetic location: 7q22.3.
Variant type: single nucleotide variant.
Coding change: c.482A>G on transcript NM_021930.6 (MANE Select); coding-DNA position 482, A replaced by G.
Protein change: p.Tyr161Cys; replaces tyrosine 161 with cysteine.
Molecular consequence: missense variant. On other transcripts: 5 prime UTR variant (3), non-coding transcript variant (1).
Genome position (GRCh38, 1-based): chr7:105,542,616, A>G. VCF-style: chr7-105542616-A-G. GRCh37 (hg19) VCF-style: chr7-105183063-A-G.
Other names: c.248A>G, p.Tyr83Cys (NM_001346599.2); c.-538A>G (NM_001346600.2); c.-441A>G (NM_001346601.2); c.-61A>G (NM_001346603.2); short protein forms Y161C, Y83C.
Identifiers: ClinVar variation 1743403 (VCV001743403.2), dbSNP rs2485113137, ClinGen allele CA368803882.

ClinVar aggregate classification (germline): Uncertain significance (1 of 4 stars; one submission).

Submission:

Ambry Genetics
Classification: Uncertain significance. Last evaluated: 2022-09-04. Review status: criteria provided, single submitter. Criteria: Ambry Variant Classification Scheme 2023. Collection method: clinical testing. Allele origin: germline.
Comment: The p.Y161C variant (also known as c.482A>G), located in coding exon 4 of the RINT1 gene, results from an A to G substitution at nucleotide position 482. The tyrosine at codon 161 is replaced by cysteine, an amino acid with highly dissimilar properties. This amino acid position is conserved. In addition, this alteration is predicted to be deleterious by in silico analysis. Since supporting evidence is limited at this time, the clinical significance of this alteration remains unclear.